The following is an entry in ClinVar:

ClinVar aggregate classification (germline): Uncertain significance (1 of 4 stars; one submission).

Submission:

GeneDx
Classification: Uncertain significance. Last evaluated: 2026-02-03. Review status: criteria provided, single submitter. Criteria: GeneDx Variant Classification Process June 2021. Collection method: clinical testing. Allele origin: germline.
Comment: Not observed at significant frequency in large population cohorts (gnomAD); In silico analysis supports that this missense variant has a deleterious effect on protein structure/function; Has not been previously published as pathogenic or benign to our knowledge

NM_014712.3(SETD1A):c.5029G>T (p.Asp1677Tyr)

Gene: SETD1A (SET domain containing 1A, histone lysine methyltransferase; plus strand). Cytogenetic location: 16p11.2.
Variant type: single nucleotide variant.
Coding change: c.5029G>T on transcript NM_014712.3 (MANE Select); coding-DNA position 5029, G replaced by T.
Protein change: p.Asp1677Tyr; replaces aspartic acid 1677 with tyrosine.
Molecular consequence: missense variant.
Genome position (GRCh38, 1-based): chr16:30,983,928, G>T. VCF-style: chr16-30983928-G-T. GRCh37 (hg19) VCF-style: chr16-30995249-G-T.
Other names: short protein forms D1677Y.
Identifiers: ClinVar variation 4888106 (VCV004888106.1).